The following is an entry in ClinVar:

NM_000254.3(MTR):c.2213G>A (p.Arg738Gln)

Gene: MTR (5-methyltetrahydrofolate-homocysteine methyltransferase; plus strand). Cytogenetic location: 1q43.
Variant type: single nucleotide variant.
Coding change: c.2213G>A on transcript NM_000254.3 (MANE Select); coding-DNA position 2213, G replaced by A.
Protein change: p.Arg738Gln; replaces arginine 738 with glutamine.
Molecular consequence: missense variant.
Genome position (GRCh38, 1-based): chr1:236,862,252, G>A. VCF-style: chr1-236862252-G-A. GRCh37 (hg19) VCF-style: chr1-237025552-G-A.
Other names: c.2060G>A, p.Arg687Gln (NM_001291939.1); c.992G>A, p.Arg331Gln (NM_001291940.2); c.2213G>A, p.Arg738Gln (NM_001410942.1); short protein forms R687Q, R331Q, R738Q.
Identifiers: ClinVar variation 1954324 (VCV001954324.2), dbSNP rs776057319, ClinGen allele CA1474322.

ClinVar aggregate classification (germline): Uncertain significance (1 of 4 stars; one submission).

Conditions:
Methylcobalamin deficiency type cblG (HMAG). Also called: HOMOCYSTINURIA-MEGALOBLASTIC ANEMIA, cblG COMPLEMENTATION TYPE; HOMOCYSTINURIA-MEGALOBLASTIC ANEMIA, cblG TYPE; Functional methionine synthase deficiency type cblG; HOMOCYSTINURIA-MEGALOBLASTIC ANEMIA DUE TO DEFECT IN COBALAMIN METABOLISM, cblG COMPLEMENTATION TYPE. Identifiers: Orphanet 2170, Orphanet 622, MedGen C1855128, MONDO:0009609, OMIM 250940.

Allele frequency attached by ClinVar (database versions not stated): gnomAD 0.00001; TOPMed 0.00001; ExAC 0.00002.
gnomAD v4.1: 7 of 1,613,748 alleles (0.00043%); highest among the groups gnomAD compares: African/African-American, 0.0013%; no homozygotes.

Submission:

Labcorp Genetics (formerly Invitae), Labcorp
Classification: Uncertain significance for Methylcobalamin deficiency type cblG. Last evaluated: 2022-05-16. Review status: criteria provided, single submitter. Criteria: Invitae Variant Classification Sherloc (09022015). Collection method: clinical testing. Allele origin: germline.
Comment: This sequence change replaces arginine, which is basic and polar, with glutamine, which is neutral and polar, at codon 738 of the MTR protein (p.Arg738Gln). This variant is present in population databases (rs776057319, gnomAD 0.004%). This variant has not been reported in the literature in individuals affected with MTR-related conditions. Algorithms developed to predict the effect of missense changes on protein structure and function are either unavailable or do not agree on the potential impact of this missense change (SIFT: "Deleterious"; PolyPhen-2: "Probably Damaging"; Align-GVGD: "Class C0"). In summary, the available evidence is currently insufficient to determine the role of this variant in disease. Therefore, it has been classified as a Variant of Uncertain Significance.